The following is an entry in ClinVar:

ClinVar aggregate classification (germline): Uncertain significance (1 of 4 stars; one submission).

Conditions:
Mucopolysaccharidosis, MPS-III-C (MPS3C). Also called: MPS IIIC (Sanfilippo Syndrome Type C); MUCOPOLYSACCHARIDOSIS, TYPE IIIC; Mucopolysaccharidosis type IIIC (Sanfilippo C); mucopolysaccharidosis type 3C; SANFILIPPO SYNDROME C; MPS III C. Identifiers: Orphanet 581, Orphanet 79271, MedGen C0086649, MONDO:0009657, OMIM 252930.
Retinitis pigmentosa 73 (RP73). Identifiers: Orphanet 791, MedGen C4225287, MONDO:0014687, OMIM 616544.

Submission:

Labcorp Genetics (formerly Invitae), Labcorp
Classification: Uncertain significance for Retinitis pigmentosa 73; Mucopolysaccharidosis, MPS-III-C. Last evaluated: 2020-11-14. Review status: criteria provided, single submitter. Criteria: Invitae Variant Classification Sherloc (09022015). Collection method: clinical testing. Allele origin: germline.
Comment: This sequence change replaces phenylalanine with serine at codon 129 of the HGSNAT protein (p.Phe129Ser). The phenylalanine residue is moderately conserved and there is a large physicochemical difference between phenylalanine and serine. This variant is not present in population databases (ExAC no frequency). This variant has not been reported in the literature in individuals with HGSNAT-related conditions. Algorithms developed to predict the effect of missense changes on protein structure and function are either unavailable or do not agree on the potential impact of this missense change (SIFT: "Deleterious"; PolyPhen-2: "Probably Damaging"; Align-GVGD: "Class C0"). In summary, the available evidence is currently insufficient to determine the role of this variant in disease. Therefore, it has been classified as a Variant of Uncertain Significance.

NM_152419.3(HGSNAT):c.386T>C (p.Phe129Ser)

Gene: HGSNAT (heparan-alpha-glucosaminide N-acetyltransferase; plus strand). Cytogenetic location: 8p11.21.
Variant type: single nucleotide variant.
Coding change: c.386T>C on transcript NM_152419.3 (MANE Select); coding-DNA position 386, T replaced by C.
Protein change: p.Phe129Ser; replaces phenylalanine 129 with serine.
Molecular consequence: missense variant. On other transcripts: 5 prime UTR variant (1).
Genome position (GRCh38, 1-based): chr8:43,158,937, T>C. VCF-style: chr8-43158937-T-C. GRCh37 (hg19) VCF-style: chr8-43014080-T-C.
Other names: c.386T>C, p.Phe129Ser (NM_001363227.2, NM_001363228.2); c.-448T>C (NM_001363229.2); short protein forms F129S.
Identifiers: ClinVar variation 1056667 (VCV001056667.5), dbSNP rs1803180920, ClinGen allele CA371125356.